The following is an entry in ClinVar:

ClinVar aggregate classification (germline): Uncertain significance (1 of 4 stars; one submission).

Allele frequency attached by ClinVar (database versions not stated): gnomAD 0.00001; gnomAD exomes 0.00001.
gnomAD v4.1: 10 of 1,611,542 alleles (0.00062%); highest among the groups gnomAD compares: Non-Finnish European, 0.00059%; no homozygotes.

Submission:

Labcorp Genetics (formerly Invitae), Labcorp
Classification: Uncertain significance. Last evaluated: 2024-11-11. Review status: criteria provided, single submitter. Criteria: Invitae Variant Classification Sherloc (09022015). Collection method: clinical testing. Allele origin: germline.
Comment: This sequence change replaces threonine, which is neutral and polar, with methionine, which is neutral and non-polar, at codon 205 of the MYH14 protein (p.Thr205Met). This variant is present in population databases (no rsID available, gnomAD 0.008%). This variant has not been reported in the literature in individuals affected with MYH14-related conditions. This missense change has been observed in at least one individual who was not affected with MYH14-related conditions (internal data). ClinVar contains an entry for this variant (Variation ID: 1351059). Invitae Evidence Modeling of protein sequence and biophysical properties (such as structural, functional, and spatial information, amino acid conservation, physicochemical variation, residue mobility, and thermodynamic stability) indicates that this missense variant is expected to disrupt MYH14 protein function with a positive predictive value of 80%. In summary, the available evidence is currently insufficient to determine the role of this variant in disease. Therefore, it has been classified as a Variant of Uncertain Significance.

NM_001145809.2(MYH14):c.614C>T (p.Thr205Met)

Gene: MYH14 (myosin heavy chain 14; plus strand). Cytogenetic location: 19q13.33.
Variant type: single nucleotide variant.
Coding change: c.614C>T on transcript NM_001145809.2 (MANE Select); coding-DNA position 614, C replaced by T.
Protein change: p.Thr205Met; replaces threonine 205 with methionine.
Molecular consequence: missense variant.
Genome position (GRCh38, 1-based): chr19:50,223,270, C>T. VCF-style: chr19-50223270-C-T. GRCh37 (hg19) VCF-style: chr19-50726527-C-T.
Other names: c.614C>T, p.Thr205Met (NM_001077186.2, NM_024729.4); short protein forms T205M.
Identifiers: ClinVar variation 1351059 (VCV001351059.6), dbSNP rs1413578961, ClinGen allele CA406950701.